The following is an entry in ClinVar:

NM_020738.4(KIDINS220):c.4418del (p.Leu1473fs)

Gene: KIDINS220 (kinase D interacting substrate 220; minus strand). Cytogenetic location: 2p25.1.
Variant type: Deletion.
Coding change: c.4418del on transcript NM_020738.4 (MANE Select); coding-DNA position 4418, one base deleted (T; older notation c.4418delT).
Protein change: p.Leu1473fs; shifts the reading frame from leucine 1473.
Molecular consequence: frameshift variant. On other transcripts: intron variant (6).
Genome position (GRCh38, 1-based): chr2:8,731,618, A deleted on the plus strand (T on the coding strand, the reverse complement: KIDINS220 is on the minus strand). VCF-style (leftmost placement, unchanged base first): chr2-8731617-CA-C. GRCh37 (hg19) VCF-style: chr2-8871747-CA-C.
Other names: c.4121del, p.Leu1374fs (NM_001348736.2); c.3882+1826del (NM_001348741.2, NM_001348742.2, NM_001348743.2); c.3996+1826del (NM_001348738.2); c.3885+1826del (NM_001348739.2, NM_001348740.2); c.4421del, p.Leu1474fs (NM_001348729.2); c.4364del, p.Leu1455fs (NM_001348731.2); c.4361del, p.Leu1454fs (NM_001348732.2); c.4250del, p.Leu1417fs (NM_001348734.2); and 1 more; short protein forms L1473fs, L1416fs, L1454fs, L1374fs, L1455fs, L1474fs, L1417fs.
Identifiers: ClinVar variation 2833267 (VCV002833267.3), dbSNP rs2527403587, ClinGen allele CA2739274131.

ClinVar aggregate classification (germline): Uncertain significance (1 of 4 stars; one submission).

Submission:

Labcorp Genetics (formerly Invitae), Labcorp
Classification: Uncertain significance. Last evaluated: 2023-02-03. Review status: criteria provided, single submitter. Criteria: Invitae Variant Classification Sherloc (09022015). Collection method: clinical testing. Allele origin: germline.
Comment: This sequence change creates a premature translational stop signal (p.Leu1473Argfs*35) in the KIDINS220 gene. While this is not anticipated to result in nonsense mediated decay, it is expected to disrupt the last 299 amino acid(s) of the KIDINS220 protein. In summary, the available evidence is currently insufficient to determine the role of this variant in disease. Therefore, it has been classified as a Variant of Uncertain Significance. This variant has not been reported in the literature in individuals affected with KIDINS220-related conditions. This variant is not present in population databases (gnomAD no frequency).